The following is an entry in ClinVar:

ClinVar aggregate classification (germline): Conflicting classifications of pathogenicity. Review status: criteria provided, conflicting classifications (1 of 4 stars). 2 submissions from 2 submitters: Likely pathogenic (1); Uncertain significance (1). Last evaluated 2024-08-07.

Conditions:
Aicardi-Goutieres syndrome 5. Identifiers: Orphanet 51, MedGen C2749659, MONDO:0013059, OMIM 612952.

gnomAD v4.1: 6 of 1,612,848 alleles (0.00037%); highest among the groups gnomAD compares: African/African-American, 0.0027%; no homozygotes.

Submissions (2):

Women's Health and Genetics/Laboratory Corporation of America, LabCorp
Classification: Uncertain significance. Last evaluated: 2024-08-07. Review status: criteria provided, single submitter. Criteria: LabCorp Variant Classification Summary - May 2015. Collection method: clinical testing. Allele origin: germline.
Comment: Variant summary: SAMHD1 c.868C>T (p.Arg290Cys) results in a non-conservative amino acid change in the encoded protein sequence. Five of five in-silico tools predict a damaging effect of the variant on protein function. The variant was absent in 251242 control chromosomes (gnomAD). c.868C>T has been reported in the literature in individuals affected with Aicardi Goutieres Syndrome. These data indicate that the variant may be associated with disease. To our knowledge, no experimental evidence demonstrating an impact on protein function has been reported. The following publications have been ascertained in the context of this evaluation (PMID: 25604658, 27943079). No submitters have cited clinical-significance assessments for this variant to ClinVar. Based on the evidence outlined above, the variant was classified as VUS-possibly pathogenic.

Human Genetics Bochum, Ruhr University Bochum
Classification: Likely pathogenic for Aicardi-Goutieres syndrome 5. Last evaluated: 2024-03-12. Review status: criteria provided, single submitter. Criteria: ACMG Guidelines, 2015. Collection method: clinical testing. Allele origin: germline. Affected: yes.
Comment: ACMG criteria used to clasify this variant: PP3_STR, PM5, PM2_SUP

Literature cited by the submitters: PubMed 25604658 (cited by Women's Health and Genetics/Laboratory Corporation of America, LabCorp); PubMed 27943079 (cited by Women's Health and Genetics/Laboratory Corporation of America, LabCorp).

NM_015474.4(SAMHD1):c.868C>T (p.Arg290Cys)

Gene: SAMHD1 (SAM and HD domain containing deoxynucleoside triphosphate triphosphohydrolase 1; minus strand). Cytogenetic location: 20q11.23.
Variant type: single nucleotide variant.
Coding change: c.868C>T on transcript NM_015474.4 (MANE Select); coding-DNA position 868, C replaced by T.
Protein change: p.Arg290Cys; replaces arginine 290 with cysteine.
Molecular consequence: missense variant.
Genome position (GRCh38, 1-based): chr20:36,917,034, G>A on the plus strand (C>T on the coding strand, the complement: SAMHD1 is on the minus strand). VCF-style: chr20-36917034-G-A. GRCh37 (hg19) VCF-style: chr20-35545437-G-A.
Other names: c.868C>T, p.Arg290Cys (NM_001363729.2, NM_001363733.2); short protein forms R290C.
Identifiers: ClinVar variation 3366430 (VCV003366430.2), dbSNP rs868763843.
Genomic context (GRCh38, chr20:36,917,034, plus strand): 5'-CATCAATGCCATTTCTTTTATTAGATACTATCTCATAAAGGAAGCTTTTGTTTTCAGGAC[G>A]CCCTTTATATGGCCACTGGAAGGCAAGAAAACCCACTGGAAGTTTTAGGATAGGCACCAA-3'
Protein context (NP_056289.2, residues 280-300): VEDSLWPYKG[Arg290Cys]PENKSFLYEI